The following is an entry in ClinVar:

ClinVar aggregate classification (germline): Uncertain significance (1 of 4 stars; one submission).

Conditions:
Leukoencephalopathy with brain stem and spinal cord involvement-high lactate syndrome (LBSL). Also called: Leukoencephalopathy with Brainstem and Spinal Cord Involvement and Lactate Elevation; MITOCHONDRIAL ASPARTYL-tRNA SYNTHETASE DEFICIENCY; LEUKOENCEPHALOPATHY WITH BRAINSTEM AND SPINAL CORD INVOLVEMENT AND LACTATE ELEVATION, MILD. Identifiers: Orphanet 137898, MedGen C1970180, MONDO:0012622, OMIM 611105.

gnomAD v4.1: 4 of 1,613,872 alleles (0.00025%); highest among the groups gnomAD compares: Non-Finnish European, 0.00025%; no homozygotes.

Submission:

Broad Center for Mendelian Genomics, Broad Institute of MIT and Harvard
Classification: Uncertain significance for Leukoencephalopathy with brain stem and spinal cord involvement-high lactate syndrome. Last evaluated: 2025-01-21. Review status: criteria provided, single submitter. Criteria: ACMG Guidelines, 2015. Collection method: curation. Allele origin: germline. Inheritance: Autosomal recessive inheritance.
Comment: The p.Asp560Val variant in DARS2 has been reported in 2 siblings with leukoencephalopathy with brain stem and spinal cord involvement-high lactate syndrome (PMID: 17384640), and has been identified in 0.003% (1/29602) of Ashkenazi Jewish chromosomes by the Genome Aggregation Database (gnomAD; dbSNP rs770525873). Although this variant has been seen in the general population in a heterozygous state, its frequency is low enough to be consistent with a recessive carrier frequency. In vitro functional studies provide some evidence that the p.Asp560Val variant may impact protein function (PMID: 23216004). However, these types of assays may not accurately represent biological function. Computational prediction tools and conservation analyses suggest that this variant may impact the protein, though this information is not predictive enough to determine pathogenicity. In summary, while there is some suspicion for a pathogenic role, the clinical significance of this variant is uncertain. ACMG/AMP Criteria applied: PS3_supporting, PP3_moderate, PM2_supporting (Richards 2015).

Literature cited by the submitters: PubMed 23216004; PubMed 17384640.

NM_018122.5(DARS2):c.1679A>T (p.Asp560Val)

Gene: DARS2 (aspartyl-tRNA synthetase 2, mitochondrial; plus strand). Cytogenetic location: 1q25.1.
Variant type: single nucleotide variant.
Coding change: c.1679A>T on transcript NM_018122.5 (MANE Select); coding-DNA position 1679, A replaced by T.
Protein change: p.Asp560Val; replaces aspartic acid 560 with valine.
Molecular consequence: missense variant.
Genome position (GRCh38, 1-based): chr1:173,856,670, A>T. VCF-style: chr1-173856670-A-T. GRCh37 (hg19) VCF-style: chr1-173825808-A-T.
Other names: NM_018122.5:c.1679A>T; c.1526A>T, p.Asp509Val (NM_001365212.1); short protein forms D509V, D560V.
Identifiers: ClinVar variation 3776827 (VCV003776827.1).